The following is an entry in ClinVar:

ClinVar aggregate classification (germline): Benign/Likely benign. Review status: criteria provided, multiple submitters, no conflicts (2 of 4 stars). 3 submissions from 3 submitters: Benign (1); Likely benign (2). Last evaluated 2024-10-14.

Conditions:
Hereditary cancer-predisposing syndrome. Also called: Hereditary Cancer Syndrome; Hereditary neoplastic syndrome; Neoplastic Syndromes, Hereditary; Tumor predisposition. Identifiers: Orphanet 140162, MedGen C0027672, MeSH D009386, MONDO:0015356.
Hereditary diffuse gastric adenocarcinoma (HDGC). Also called: DIFFUSE GASTRIC AND LOBULAR BREAST CANCER SYNDROME. Identifiers: Orphanet 26106, MedGen C1708349, MONDO:0007648, OMIM 137215.

Allele frequency attached by ClinVar (database versions not stated): gnomAD exomes below 0.00001.
gnomAD v4.1: 2 of 1,613,976 alleles (0.00012%); highest among the groups gnomAD compares: Non-Finnish European, 0.00017%; no homozygotes.

Submissions (3):

Myriad Genetics, Inc.
Classification: Benign for Hereditary diffuse gastric adenocarcinoma. Last evaluated: 2024-10-14. Review status: criteria provided, single submitter. Criteria: Myriad Autosomal Dominant, Autosomal Recessive and X-Linked Classification Criteria (2023). Collection method: clinical testing. Allele origin: unknown.
Comment: This variant is considered benign. This variant is a silent/synonymous amino acid change and it is not expected to impact splicing.

Labcorp Genetics (formerly Invitae), Labcorp
Classification: Likely benign. Last evaluated: 2024-05-01. Review status: criteria provided, single submitter. Criteria: Invitae Variant Classification Sherloc (09022015). Collection method: clinical testing. Allele origin: germline.

Ambry Genetics
Classification: Likely benign for Hereditary cancer-predisposing syndrome. Last evaluated: 2019-07-27. Review status: criteria provided, single submitter. Criteria: Ambry Variant Classification Scheme 2023. Collection method: clinical testing. Allele origin: germline.

NM_001903.5(CTNNA1):c.2136C>T (p.Ile712=)

Gene: CTNNA1 (catenin alpha 1; plus strand). Cytogenetic location: 5q31.2.
Variant type: single nucleotide variant.
Coding change: c.2136C>T on transcript NM_001903.5 (MANE Select); coding-DNA position 2136, C replaced by T.
Protein change: p.Ile712=; no amino-acid change (isoleucine 712 retained).
Molecular consequence: synonymous variant.
Genome position (GRCh38, 1-based): chr5:138,930,598, C>T. VCF-style: chr5-138930598-C-T. GRCh37 (hg19) VCF-style: chr5-138266287-C-T.
Other names: c.2136C>T, p.Ile712= (NM_001290307.3, NM_001323982.2, NM_001323983.1 and 2 more transcripts); c.1827C>T, p.Ile609= (NM_001290309.3); c.1767C>T, p.Ile589= (NM_001290310.3); c.1026C>T, p.Ile342= (NM_001290312.1, NM_001323987.1, NM_001323988.1 and 17 more transcripts); c.2043C>T, p.Ile681= (NM_001323986.2); c.687C>T, p.Ile229= (NM_001324006.1, NM_001324007.1, NM_001324008.1 and 2 more transcripts); c.933C>T, p.Ile311= (NM_001324011.1); c.783C>T, p.Ile261= (NM_001324012.1, NM_001324013.1).
Identifiers: ClinVar variation 1151425 (VCV001151425.12), dbSNP rs1765092313, ClinGen allele CA446597884.